The following is an entry in ClinVar:

NM_006059.4(LAMC3):c.3793G>A (p.Ala1265Thr)

Gene: LAMC3 (laminin subunit gamma 3; plus strand). Cytogenetic location: 9q34.12.
Variant type: single nucleotide variant.
Coding change: c.3793G>A on transcript NM_006059.4 (MANE Select); coding-DNA position 3793, G replaced by A.
Protein change: p.Ala1265Thr; replaces alanine 1265 with threonine.
Molecular consequence: missense variant.
Genome position (GRCh38, 1-based): chr9:131,079,164, G>A. VCF-style: chr9-131079164-G-A. GRCh37 (hg19) VCF-style: chr9-133954551-G-A.
Other names: c.3793G>A (NM_006059.3); short protein forms A1265T.
Identifiers: ClinVar variation 1477854 (VCV001477854.4), dbSNP rs752821098, ClinGen allele CA375262590.

ClinVar aggregate classification (germline): Uncertain significance. Review status: criteria provided, multiple submitters, no conflicts (2 of 4 stars). 2 submissions from 2 submitters: Uncertain significance (2). Last evaluated 2024-06-13.

Conditions:
Inborn genetic diseases. Identifiers: MedGen C0950123, MeSH D030342.

Allele frequency attached by ClinVar (database versions not stated): gnomAD 0.00001.
gnomAD v4.1: 2 of 1,613,550 alleles (0.00012%); highest among the groups gnomAD compares: Admixed American, 0.0033%; no homozygotes.

Submissions (2):

Ambry Genetics
Classification: Uncertain significance for Inborn genetic diseases. Last evaluated: 2024-06-13. Review status: criteria provided, single submitter. Criteria: Ambry Variant Classification Scheme 2023. Collection method: clinical testing. Allele origin: germline.

Labcorp Genetics (formerly Invitae), Labcorp
Classification: Uncertain significance. Last evaluated: 2021-09-22. Review status: criteria provided, single submitter. Criteria: Invitae Variant Classification Sherloc (09022015). Collection method: clinical testing. Allele origin: germline.
Comment: This sequence change replaces alanine with threonine at codon 1265 of the LAMC3 protein (p.Ala1265Thr). The alanine residue is moderately conserved and there is a small physicochemical difference between alanine and threonine. This variant is not present in population databases (ExAC no frequency). This variant has not been reported in the literature in individuals affected with LAMC3-related conditions. Algorithms developed to predict the effect of missense changes on protein structure and function output the following: SIFT: "Deleterious"; PolyPhen-2: "Benign"; Align-GVGD: "Class C0". The threonine amino acid residue is found in multiple mammalian species, which suggests that this missense change does not adversely affect protein function. In summary, the available evidence is currently insufficient to determine the role of this variant in disease. Therefore, it has been classified as a Variant of Uncertain Significance.